The following is an entry in ClinVar:

ClinVar aggregate classification (germline): Uncertain significance. Review status: criteria provided, multiple submitters, no conflicts (2 of 4 stars). 4 submissions from 4 submitters: Uncertain significance (4). Last evaluated 2026-06-21.

Conditions:
Inborn genetic diseases. Identifiers: MedGen C0950123, MeSH D030342.
CACNA1F-related disorder. Also called: CACNA1F-related condition.

Allele frequency attached by ClinVar (database versions not stated): gnomAD exomes 0.00001; TOPMed 0.00002.
gnomAD v4.1: 7 of 1,205,679 alleles (0.00058%); highest among the groups gnomAD compares: African/African-American, 0.007%; no homozygotes.

Submissions (4):

PreventionGenetics, part of Exact Sciences
Classification: Uncertain significance for CACNA1F-related condition. Last evaluated: 2026-06-21. Review status: criteria provided, single submitter. Criteria: ACMG Guidelines, 2015. Collection method: clinical testing. Allele origin: germline.
Comment: The CACNA1F c.5362C>T variant is predicted to result in the amino acid substitution p.Arg1788Cys. To our knowledge, this variant has not been reported in the literature. This variant is reported in 0.0076% of alleles in individuals of African descent in gnomAD. At this time, the clinical significance of this variant is uncertain due to the absence of conclusive functional and genetic evidence.

Labcorp Genetics (formerly Invitae), Labcorp
Classification: Uncertain significance. Last evaluated: 2025-09-10. Review status: criteria provided, single submitter. Criteria: Invitae Variant Classification Sherloc (09022015). Collection method: clinical testing. Allele origin: germline.
Comment: This sequence change replaces arginine, which is basic and polar, with cysteine, which is neutral and slightly polar, at codon 1788 of the CACNA1F protein (p.Arg1788Cys). The frequency data for this variant in the population databases is considered unreliable, as metrics indicate poor data quality at this position in the gnomAD database. This variant has not been reported in the literature in individuals affected with CACNA1F-related conditions. ClinVar contains an entry for this variant (Variation ID: 1007730). An algorithm developed to predict the effect of missense changes on protein structure and function (PolyPhen-2) suggests that this variant is likely to be tolerated. In summary, the available evidence is currently insufficient to determine the role of this variant in disease. Therefore, it has been classified as a Variant of Uncertain Significance.

Ambry Genetics
Classification: Uncertain significance for Inborn genetic diseases. Last evaluated: 2025-03-03. Review status: criteria provided, single submitter. Criteria: Ambry Variant Classification Scheme 2023. Collection method: clinical testing. Allele origin: germline.

Blueprint Genetics
Classification: Uncertain significance. Last evaluated: 2022-08-02. Review status: criteria provided, single submitter. Criteria: ACMG Guidelines, 2015. Collection method: clinical testing. Allele origin: germline.

NM_001256789.3(CACNA1F):c.5329C>T (p.Arg1777Cys)

Gene: CACNA1F (calcium voltage-gated channel subunit alpha1 F; minus strand). Cytogenetic location: Xp11.23.
Variant type: single nucleotide variant.
Coding change: c.5329C>T on transcript NM_001256789.3 (MANE Select); coding-DNA position 5329, C replaced by T.
Protein change: p.Arg1777Cys; replaces arginine 1777 with cysteine.
Molecular consequence: missense variant.
Genome position (GRCh38, 1-based): chrX:49,206,758, G>A on the plus strand (C>T on the coding strand, the complement: CACNA1F is on the minus strand). VCF-style: chrX-49206758-G-A. GRCh37 (hg19) VCF-style: chrX-49063219-G-A.
Other names: c.5167C>T, p.Arg1723Cys (NM_001256790.3); c.5362C>T, p.Arg1788Cys (NM_005183.4); c.5362C>T (NM_005183.3, NM_005183.2); short protein forms R1723C, R1777C, R1788C.
Identifiers: ClinVar variation 1007730 (VCV001007730.11), dbSNP rs1331907159, ClinGen allele CA412958236.